The following is an entry in ClinVar:

ClinVar aggregate classification (germline): Uncertain significance (1 of 4 stars; one submission).

Submission:

Medical Genetic Center, Changzhi Maternal and Child Health Care Hospital
Classification: Uncertain significance. Last evaluated: 2025-12-10. Review status: criteria provided, single submitter. Criteria: ACMG/ClinGen CNV Guidelines, 2019. Collection method: clinical testing. Allele origin: unknown.

GRCh38/hg38 2q13(chr2:110116258-110225840)x1

Genes: MALL (mal, T cell differentiation protein like; minus strand), MTLN (mitoregulin; minus strand), NPHP1 (nephrocystin 1; minus strand), LOC126806306 (P300/CBP strongly-dependent group 1 enhancer GRCh37_chr2:110906815-110908014; plus strand), LOC129934555 (ATAC-STARR-seq lymphoblastoid active region 16369; plus strand) and 1 more. Cytogenetic location: 2q13.
Variant type: copy number loss.
Change: copy number 1 (one copy instead of two) of chr2:110,116,258-110,225,840 (109.6 kb, GRCh38 coordinates, 1-based), cytogenetic band 2q13.
Identifiers: ClinVar variation 4796282 (VCV004796282.1).